The following is an entry in ClinVar:

NM_000275.3(OCA2):c.2135del (p.Ile712fs)

Gene: OCA2 (OCA2 melanosomal transmembrane protein; minus strand). Cytogenetic location: 15q13.1.
Variant type: Deletion.
Coding change: c.2135del on transcript NM_000275.3 (MANE Select); coding-DNA position 2135, one base deleted (T; older notation c.2135delT).
Protein change: p.Ile712fs; shifts the reading frame from isoleucine 712.
Molecular consequence: frameshift variant.
Genome position (GRCh38, 1-based): chr15:27,871,867, A deleted on the plus strand (T on the coding strand, the reverse complement: OCA2 is on the minus strand). VCF-style (leftmost placement, unchanged base first): chr15-27871866-TA-T. GRCh37 (hg19) VCF-style: chr15-28117012-TA-T.
Other names: c.2063del, p.Ile688fs (NM_001300984.2); short protein forms I688fs, I712fs.
Identifiers: ClinVar variation 1453009 (VCV001453009.7), dbSNP rs775008954, ClinGen allele CA7438750.

ClinVar aggregate classification (germline): Pathogenic/Likely pathogenic. Review status: criteria provided, multiple submitters, no conflicts (2 of 4 stars). 2 submissions from 2 submitters: Pathogenic (1); Likely pathogenic (1). Last evaluated 2025-12-15.

Conditions:
SKIN/HAIR/EYE PIGMENTATION 1, BLUE/NONBLUE EYES (SHEP1). Also called: EYE COLOR 3; EYE COLOR, BLUE/NONBLUE; EYE COLOR, BROWN/BLUE; HAIR COLOR 3; SKIN/HAIR/EYE PIGMENTATION 1, BLOND/BROWN HAIR; SKIN/HAIR/EYE PIGMENTATION 1, BLUE/BROWN EYES. Identifiers: MedGen C1856895, OMIM 227220.

Allele frequency attached by ClinVar (database versions not stated): gnomAD exomes below 0.00001 and 0.00001; ExAC 0.00001.

Submissions (2):

Labcorp Genetics (formerly Invitae), Labcorp
Classification: Pathogenic. Last evaluated: 2025-12-15. Review status: criteria provided, single submitter. Criteria: Invitae Variant Classification Sherloc (09022015). Collection method: clinical testing. Allele origin: germline.
Comment: This sequence change creates a premature translational stop signal (p.Ile712Lysfs*11) in the OCA2 gene. It is expected to result in an absent or disrupted protein product. Loss-of-function variants in OCA2 are known to be pathogenic (PMID: 19865097, 21541274). This variant is present in population databases (rs775008954, gnomAD 0.009%). This variant has not been reported in the literature in individuals affected with OCA2-related conditions. ClinVar contains an entry for this variant (Variation ID: 1453009). For these reasons, this variant has been classified as Pathogenic.

Baylor Genetics
Classification: Likely pathogenic for SKIN/HAIR/EYE PIGMENTATION 1, BLUE/NONBLUE EYES. Last evaluated: 2023-08-22. Review status: criteria provided, single submitter. Criteria: ACMG Guidelines, 2015. Collection method: clinical testing. Allele origin: unknown.

Literature cited by the submitters: PubMed 19865097 (cited by Labcorp Genetics (formerly Invitae), Labcorp); PubMed 21541274 (cited by Labcorp Genetics (formerly Invitae), Labcorp).